The following is an entry in ClinVar:

NM_000059.4(BRCA2):c.9335dup (p.Asp3112fs)

Gene: BRCA2 (BRCA2 DNA repair associated; plus strand). Cytogenetic location: 13q13.1.
Variant type: Duplication.
Coding change: c.9335dup on transcript NM_000059.4 (MANE Select); coding-DNA position 9335, one base duplicated (A; older notation c.9335dupA).
Protein change: p.Asp3112fs; shifts the reading frame from aspartic acid 3112.
Molecular consequence: frameshift variant.
Genome position (GRCh38, 1-based): chr13:32,394,767, A duplicated. VCF-style (leftmost placement, unchanged base first): chr13-32394766-G-GA. GRCh37 (hg19) VCF-style: chr13-32968903-G-GA.
Other names: c.9239dup, p.Asp3080Glufs (NM_001406719.1); c.9284dup, p.Asp3095Glufs (NM_001406720.1); c.4403dup, p.Asp1468Glufs (NM_001406721.1); c.2918dup, p.Asp973Glufs (NM_001406722.1); c.9335dupA (NM_000059.3); short protein forms D3112fs.
Identifiers: ClinVar variation 1766603 (VCV001766603.2), dbSNP rs2548562157, ClinGen allele CA2580087352.

ClinVar aggregate classification (germline): Pathogenic (1 of 4 stars; one submission).

Conditions:
Hereditary cancer-predisposing syndrome. Also called: Hereditary Cancer Syndrome; Hereditary neoplastic syndrome; Neoplastic Syndromes, Hereditary; Tumor predisposition. Identifiers: Orphanet 140162, MedGen C0027672, MeSH D009386, MONDO:0015356.

Submission:

Ambry Genetics
Classification: Pathogenic for Hereditary cancer-predisposing syndrome. Last evaluated: 2022-06-15. Review status: criteria provided, single submitter. Criteria: Ambry Variant Classification Scheme 2023. Collection method: clinical testing. Allele origin: germline.
Comment: The c.9335dupA pathogenic mutation, located in coding exon 24 of the BRCA2 gene, results from a duplication of A at nucleotide position 9335, causing a translational frameshift with a predicted alternate stop codon (p.D3112Efs*4). This alteration is expected to result in loss of function by premature protein truncation or nonsense-mediated mRNA decay. As such, this alteration is interpreted as a disease-causing mutation.